The following is an entry in ClinVar:

NM_006231.4(POLE):c.765A>G (p.Val255=)

Gene: POLE (DNA polymerase epsilon, catalytic subunit; minus strand). Cytogenetic location: 12q24.33.
Variant type: single nucleotide variant.
Coding change: c.765A>G on transcript NM_006231.4 (MANE Select); coding-DNA position 765, A replaced by G.
Protein change: p.Val255=; no amino-acid change (valine 255 retained).
Molecular consequence: synonymous variant.
Genome position (GRCh38, 1-based): chr12:132,677,399, T>C on the plus strand (A>G on the coding strand, the complement: POLE is on the minus strand). VCF-style: chr12-132677399-T-C. GRCh37 (hg19) VCF-style: chr12-133253985-T-C.
Identifiers: ClinVar variation 413533 (VCV000413533.21), dbSNP rs898919469, ClinGen allele CA16613736.

ClinVar aggregate classification (germline): Likely benign. Review status: criteria provided, multiple submitters, no conflicts (2 of 4 stars). 5 submissions from 5 submitters: Likely benign (5). Last evaluated 2025-12-17.

Conditions:
Hereditary cancer-predisposing syndrome. Also called: Hereditary neoplastic syndrome; Neoplastic Syndromes, Hereditary; Hereditary Cancer Syndrome; Tumor predisposition. Identifiers: Orphanet 140162, MedGen C0027672, MeSH D009386, MONDO:0015356.

Allele frequency attached by ClinVar (database versions not stated): gnomAD exomes below 0.00001 and 0.00001; gnomAD 0.00001; TOPMed 0.00001.
gnomAD v4.1: 9 of 1,614,036 alleles (0.00056%); highest among the groups gnomAD compares: Non-Finnish European, 0.00076%; no homozygotes.

Submissions (5):

Labcorp Genetics (formerly Invitae), Labcorp
Classification: Likely benign. Last evaluated: 2025-12-17. Review status: criteria provided, single submitter. Criteria: Invitae Variant Classification Sherloc (09022015). Collection method: clinical testing. Allele origin: germline.

Center for Genomic Medicine, Rigshospitalet, Copenhagen University Hospital
Classification: Likely benign. Last evaluated: 2025-03-04. Review status: criteria provided, single submitter. Criteria: ACMG Guidelines, 2015. Collection method: clinical testing. Allele origin: germline.

Blueprint Genetics
Classification: Likely benign. Last evaluated: 2023-04-17. Review status: criteria provided, single submitter. Criteria: ACMG Guidelines, 2015. Collection method: clinical testing. Allele origin: germline.

Ambry Genetics
Classification: Likely benign for Hereditary cancer-predisposing syndrome. Last evaluated: 2018-10-30. Review status: criteria provided, single submitter. Criteria: Ambry Variant Classification Scheme 2023. Collection method: clinical testing. Allele origin: germline.

GeneDx
Classification: Likely benign. Last evaluated: 2017-11-03. Review status: criteria provided, single submitter. Criteria: GeneDx Variant Classification (06012015). Collection method: clinical testing. Allele origin: germline. Affected: yes.
Comment: This variant is considered likely benign or benign based on one or more of the following criteria: it is a conservative change, it occurs at a poorly conserved position in the protein, it is predicted to be benign by multiple in silico algorithms, and/or has population frequency not consistent with disease.